The following is an entry in ClinVar:

ClinVar aggregate classification (germline): Conflicting classifications of pathogenicity. Review status: criteria provided, conflicting classifications (1 of 4 stars). 6 submissions from 6 submitters: Uncertain significance (5); Likely benign (1). Last evaluated 2026-01-17.

Conditions:
Malignant tumor of urinary bladder. Also called: Urinary bladder cancer; Bladder cancer; Urinary Bladder Neoplasms. Identifiers: MedGen C0005684, MONDO:0001187, OMIM 109800.
Hereditary cancer-predisposing syndrome. Also called: Neoplastic Syndromes, Hereditary; Hereditary Cancer Syndrome; Hereditary neoplastic syndrome; Tumor predisposition. Identifiers: Orphanet 140162, MedGen C0027672, MeSH D009386, MONDO:0015356.
Retinoblastoma (RB1). Also called: RETINOBLASTOMA, SOMATIC. Identifiers: Orphanet 790, MedGen C0035335, MeSH D012175, MONDO:0008380, OMIM 180200, HP:0009919. Disease mechanism: loss of function. Inheritance: Both sporadic and heritable forms are tested..

gnomAD v4.1: 14 of 1,612,480 alleles (0.00087%); highest among the groups gnomAD compares: Non-Finnish European, 0.0011%; no homozygotes.

Submissions (6):

Labcorp Genetics (formerly Invitae), Labcorp
Classification: Likely benign for Retinoblastoma. Last evaluated: 2026-01-17. Review status: criteria provided, single submitter. Criteria: Invitae Variant Classification Sherloc (09022015). Collection method: clinical testing. Allele origin: germline.

Dasa
Classification: Uncertain significance. Last evaluated: 2025-12-01. Review status: criteria provided, single submitter. Criteria: DASA Assertion Criteria. Collection method: clinical testing. Allele origin: germline.
Comment: NM_000321.3(RB1):c.474G>C (p.Leu158Phe) is a missense variant that results in the substitution of leucine with phenylalanine. This variant is rare in population databases. The currently available literature and clinical evidence are not sufficient to establish a definitive association between this variant and the reported condition. Therefore, this variant is classified as a variant of uncertain significance.

Ambry Genetics
Classification: Uncertain significance for Hereditary cancer-predisposing syndrome. Last evaluated: 2025-03-16. Review status: criteria provided, single submitter. Criteria: Ambry Variant Classification Scheme 2023. Collection method: clinical testing. Allele origin: germline.

GeneDx
Classification: Uncertain significance. Last evaluated: 2024-10-07. Review status: criteria provided, single submitter. Criteria: GeneDx Variant Classification Process June 2021. Collection method: clinical testing. Allele origin: germline. Affected: yes.
Comment: Not observed at significant frequency in large population cohorts (gnomAD); In silico analysis supports that this missense variant does not alter protein structure/function; Has not been previously published as pathogenic or benign to our knowledge; This variant is associated with the following publications: (PMID: 23516486)

Baylor Genetics
Classification: Uncertain significance for Malignant tumor of urinary bladder. Last evaluated: 2023-11-03. Review status: criteria provided, single submitter. Criteria: ACMG Guidelines, 2015. Collection method: clinical testing. Allele origin: unknown.

All of Us Research Program, National Institutes of Health
Classification: Uncertain significance for Retinoblastoma. Last evaluated: 2023-09-17. Review status: criteria provided, single submitter. Criteria: ACMG Guidelines, 2015. Collection method: clinical testing. Allele origin: germline. Inheritance: Autosomal dominant inheritance. Observed: 3 variant alleles, 3 heterozygotes.
Comment: This missense variant replaces leucine with phenylalanine at codon 158 of the RB1 protein. Computational prediction suggests that this variant may not impact protein structure and function (internally defined REVEL score threshold <= 0.5, PMID: 27666373). To our knowledge, functional studies have not been reported for this variant. This variant has not been reported in individuals affected with hereditary cancer in the literature. This variant has been identified in 1/250664 chromosomes in the general population by the Genome Aggregation Database (gnomAD). The available evidence is insufficient to determine the role of this variant in disease conclusively. Therefore, this variant is classified as a Variant of Uncertain Significance.

This study involves interpretation of variants in research participants for the purpose of population health screening. Participant phenotype was not available at the time of variant classification. Additional details can be found in publication PMID: 35346344, PMCID: PMC8962531

NM_000321.3(RB1):c.474G>C (p.Leu158Phe)

Gene: RB1 (RB transcriptional corepressor 1; plus strand). Cytogenetic location: 13q14.2.
Variant type: single nucleotide variant.
Coding change: c.474G>C on transcript NM_000321.3 (MANE Select); coding-DNA position 474, G replaced by C.
Protein change: p.Leu158Phe; replaces leucine 158 with phenylalanine.
Molecular consequence: missense variant.
Genome position (GRCh38, 1-based): chr13:48,345,173, G>C. VCF-style: chr13-48345173-G-C. GRCh37 (hg19) VCF-style: chr13-48919309-G-C.
Other names: short protein forms L158F.
Identifiers: ClinVar variation 574955 (VCV000574955.17), dbSNP rs1319691084, ClinGen allele CA388252801.